The following is an entry in ClinVar:

NM_007294.4(BRCA1):c.5405C>A (p.Thr1802Lys)

Gene: BRCA1 (BRCA1 DNA repair associated; minus strand). Cytogenetic location: 17q21.31.
Variant type: single nucleotide variant.
Coding change: c.5405C>A on transcript NM_007294.4 (MANE Select); coding-DNA position 5405, C replaced by A.
Protein change: p.Thr1802Lys; replaces threonine 1802 with lysine.
Molecular consequence: missense variant. On other transcripts: non-coding transcript variant (1), intron variant (1).
Genome position (GRCh38, 1-based): chr17:43,049,122, G>T on the plus strand (C>A on the coding strand, the complement: BRCA1 is on the minus strand). VCF-style: chr17-43049122-G-T. GRCh37 (hg19) VCF-style: chr17-41201139-G-T.
Other names: c.5192C>A, p.Thr1731Lys (NM_001407571.1, NM_001407907.1, NM_001407908.1 and 12 more transcripts); c.5471C>A, p.Thr1824Lys (NM_001407581.1, NM_001407582.1); c.5468C>A, p.Thr1823Lys (NM_001407583.1, NM_001407585.1, NM_001407587.1 and 1 more transcripts); c.5465C>A, p.Thr1822Lys (NM_001407590.1, NM_001407591.1); c.5405C>A, p.Thr1802Lys (NM_001407593.1, NM_001407594.1, NM_001407596.1 and 5 more transcripts); c.5402C>A, p.Thr1801Lys (NM_001407610.1, NM_001407611.1, NM_001407612.1 and 14 more transcripts); c.5399C>A, p.Thr1800Lys (NM_001407627.1, NM_001407628.1, NM_001407629.1 and 13 more transcripts); c.5390C>A, p.Thr1797Lys (NM_001407647.1); and 73 more; short protein forms T1802K, T1823K, T698K, T1755K, T1633K, T1731K, T1761K, T1800K.
Identifiers: ClinVar variation 868053 (VCV000868053.3), dbSNP rs2051072173, ClinGen allele CA10590668.

Conditions:
Breast-ovarian cancer, familial, susceptibility to, 1 (BROVCA1). Also called: BRCA1 Hereditary Breast and Ovarian Cancer; OVARIAN CANCER, SUSCEPTIBILITY TO. Identifiers: Orphanet 145, MedGen C2676676, MONDO:0011450, OMIM 604370. Disease mechanism: loss of function.

Submission:

Brotman Baty Institute, University of Washington
No classification provided (evidence only). Condition: Breast-ovarian cancer, familial 1. Review status: no classification provided. Collection method: in vitro. Allele origin: not applicable. Functional consequence: functionally_normal.
ClinVar note: "not provided" was previously submitted as the classification for the variant. However, the classification appeared to be based only on an observation of functional data so it was converted to no classification on 2025-07-30.